The following is an entry in ClinVar:

ClinVar aggregate classification (germline): Uncertain significance (1 of 4 stars; one submission).

Conditions:
Dextro-looped transposition of the great arteries. Also called: Dextrotransposition of the great arteries. Identifiers: Orphanet 860, MedGen C3531771, MONDO:0019443, OMIM 608808, HP:0031348.

Allele frequency attached by ClinVar (database versions not stated): gnomAD exomes below 0.00001; TOPMed 0.00001.
gnomAD v4.1: 1 of 1,610,556 alleles (0.000062%); highest among the groups gnomAD compares: Non-Finnish European, 0.000085%; no homozygotes.

Submission:

Labcorp Genetics (formerly Invitae), Labcorp
Classification: Uncertain significance for Dextro-looped transposition of the great arteries. Last evaluated: 2023-12-01. Review status: criteria provided, single submitter. Criteria: Invitae Variant Classification Sherloc (09022015). Collection method: clinical testing. Allele origin: germline.
Comment: This sequence change replaces threonine, which is neutral and polar, with alanine, which is neutral and non-polar, at codon 667 of the MED13L protein (p.Thr667Ala). This variant is not present in population databases (gnomAD no frequency). This variant has not been reported in the literature in individuals affected with MED13L-related conditions. Advanced modeling of protein sequence and biophysical properties (such as structural, functional, and spatial information, amino acid conservation, physicochemical variation, residue mobility, and thermodynamic stability) performed at Invitae indicates that this missense variant is not expected to disrupt MED13L protein function with a negative predictive value of 80%. In summary, the available evidence is currently insufficient to determine the role of this variant in disease. Therefore, it has been classified as a Variant of Uncertain Significance.

NM_015335.5(MED13L):c.1999A>G (p.Thr667Ala)

Gene: MED13L (mediator complex subunit 13L; minus strand). Cytogenetic location: 12q24.21.
Variant type: single nucleotide variant.
Coding change: c.1999A>G on transcript NM_015335.5 (MANE Select); coding-DNA position 1999, A replaced by G.
Protein change: p.Thr667Ala; replaces threonine 667 with alanine.
Molecular consequence: missense variant.
Genome position (GRCh38, 1-based): chr12:116,008,414, T>C on the plus strand (A>G on the coding strand, the complement: MED13L is on the minus strand). VCF-style: chr12-116008414-T-C. GRCh37 (hg19) VCF-style: chr12-116446219-T-C.
Other names: short protein forms T667A.
Identifiers: ClinVar variation 2741698 (VCV002741698.3), dbSNP rs1465270113, ClinGen allele CA386895052.